The following is an entry in ClinVar:

NM_001009944.3(PKD1):c.8473C>T (p.Leu2825Phe)

Gene: PKD1 (polycystin 1, transient receptor potential channel interacting; minus strand). Cytogenetic location: 16p13.3.
Variant type: single nucleotide variant.
Coding change: c.8473C>T on transcript NM_001009944.3 (MANE Select); coding-DNA position 8473, C replaced by T.
Protein change: p.Leu2825Phe; replaces leucine 2825 with phenylalanine.
Molecular consequence: missense variant.
Genome position (GRCh38, 1-based): chr16:2,103,584, G>A on the plus strand (C>T on the coding strand, the complement: PKD1 is on the minus strand). VCF-style: chr16-2103584-G-A. GRCh37 (hg19) VCF-style: chr16-2153585-G-A.
Other names: c.8473C>T (NM_000296.3); c.8473C>T, p.Leu2825Phe (NM_000296.4); short protein forms L2825F.
Identifiers: ClinVar variation 871750 (VCV000871750.44), dbSNP rs138058871, ClinGen allele CA7830510.

ClinVar aggregate classification (germline): Conflicting classifications of pathogenicity. Review status: criteria provided, conflicting classifications (1 of 4 stars). 4 submissions from 4 submitters: Uncertain significance (2); Likely benign (2). Last evaluated 2025-09-22.

Conditions:
Inborn genetic diseases. Identifiers: MedGen C0950123, MeSH D030342.

Allele frequency attached by ClinVar (database versions not stated): gnomAD 0.00006; gnomAD exomes 0.00007; ExAC 0.00009; TOPMed 0.00009; ESP Exome Variant Server 0.00015.
gnomAD v4.1: 147 of 1,610,180 alleles (0.0091%); highest among the groups gnomAD compares: Non-Finnish European, 0.011%; no homozygotes.

Submissions (4):

Women's Health and Genetics/Laboratory Corporation of America, LabCorp
Classification: Uncertain significance. Last evaluated: 2025-09-22. Review status: criteria provided, single submitter. Criteria: LabCorp Variant Classification Summary - May 2015. Collection method: clinical testing. Allele origin: germline.
Comment: Variant summary: PKD1 c.8473C>T (p.Leu2825Phe) results in a non-conservative amino acid change in the encoded protein sequence. Algorithms developed to predict the effect of missense changes on protein structure and function are either unavailable or do not agree on the potential impact of this missense change. The variant allele was found at a frequency of 7.3e-05 in 248198 control chromosomes. This frequency is not significantly higher than estimated for disease-causing variants in PKD1, allowing no conclusion about variant significance. To our knowledge, no occurrence of c.8473C>T in individuals affected with PKD1-related conditions and no experimental evidence demonstrating its impact on protein function have been reported. ClinVar contains an entry for this variant (Variation ID: 871750). Based on the evidence outlined above, the variant was classified as uncertain significance.

Blueprint Genetics
Classification: Likely benign. Last evaluated: 2024-09-14. Review status: criteria provided, single submitter. Criteria: ACMG Guidelines, 2015. Collection method: clinical testing. Allele origin: germline.

CeGaT Center for Human Genetics Tuebingen
Classification: Likely benign. Last evaluated: 2024-08-01. Review status: criteria provided, single submitter. Criteria: CeGaT Center For Human Genetics Tuebingen Variant Classification Criteria Version 2. Collection method: clinical testing. Allele origin: germline. Affected: yes. Observed: 2 variant alleles.
Comment: PKD1: BS2

Ambry Genetics
Classification: Uncertain significance for Inborn genetic diseases. Last evaluated: 2021-06-11. Review status: criteria provided, single submitter. Criteria: Ambry Variant Classification Scheme 2023. Collection method: clinical testing. Allele origin: germline.